The following is an entry in ClinVar:

ClinVar aggregate classification (germline): Pathogenic. Review status: reviewed by expert panel (3 of 4 stars). 7 submissions from 7 submitters: Pathogenic (1). 6 of the submissions do not count toward it. Last evaluated 2017-03-17.

Conditions:
CFTR-related disorder (CFTR-RD). Also called: CFTR-related condition; CFTR-related disorders. Identifiers: MedGen C5924204, MONDO:7770004.
Hereditary pancreatitis (PCTT). Also called: Hereditary chronic pancreatitis; PRSS1-Related Hereditary Pancreatitis. Identifiers: Orphanet 676, MedGen C0238339, MONDO:0008185, OMIM 167800.
Cystic fibrosis (CF). Also called: MUCOVISCIDOSIS. Identifiers: Orphanet 586, MedGen C0010674, MONDO:0009061, OMIM 219700. Disease mechanism: loss of function.

Submissions (7):

CFTR2
Classification: Pathogenic for Cystic fibrosis. Last evaluated: 2017-03-17. Review status: reviewed by expert panel. Criteria: Sosnay PR et al. (Nat Genet 2013). Collection method: research. Allele origin: germline. Affected: yes. Study: CFTR2.

Ambry Genetics
Classification: Pathogenic for Cystic fibrosis. Last evaluated: 2022-08-17. Review status: criteria provided, single submitter. Criteria: Ambry Variant Classification Scheme 2023. Collection method: clinical testing. Allele origin: germline. Not counted in ClinVar's aggregate classification.
Comment: The c.3718-1G>A intronic pathogenic mutation results from a G to A substitution one nucleotide upstream from coding exon 23 of the CFTR gene. Alterations that disrupt the canonical splice site are expected to result in aberrant splicing. In silico splice site analysis predicts that this alteration will weaken the native splice acceptor site. The resulting transcript is predicted to be in-frame and is not expected to trigger nonsense-mediated mRNA decay; however, direct evidence is unavailable. The exact functional effect of the altered amino acid sequence is unknown; however, the impacted region is critical for protein function (Ambry internal data). This variant has been reported in multiple individuals with an elevated sweat chloride level in The Clinical and Functional TRanslation of CFTR (CFTR2) database (available at CFTR2. Accessed 08/17/2022), as well as in individuals with cystic fibrosis or CFTR-related disorders in the literature (Terzic M et al. Balkan J Med Genet, 2019 Jun;22:35-40; Audr&eacute;zet MP et al. Hum Mol Genet, 1993 Jan;2:51-4). This variant is considered to be rare based on population cohorts in the Genome Aggregation Database (gnomAD). Based on the supporting evidence, this alteration is interpreted as a disease-causing mutation.

Women's Health and Genetics/Laboratory Corporation of America, LabCorp
Classification: Pathogenic for Cystic fibrosis. Last evaluated: 2020-12-11. Review status: criteria provided, single submitter. Criteria: LabCorp Variant Classification Summary - May 2015. Collection method: clinical testing. Allele origin: germline. Not counted in ClinVar's aggregate classification.
Comment: Variant summary: CFTR c.3718-1G>A is located in a canonical splice-site and is predicted to affect mRNA splicing resulting in a significantly altered protein due to either exon skipping, shortening, or inclusion of intronic material. Several computational tools predict a significant impact on normal splicing: Four predict the variant abolishes a 3' acceptor site. Two predict the variant creates a new 3' acceptor site. However, these predictions have yet to be confirmed by functional studies. The variant was absent in 250942 control chromosomes. c.3718-1G>A has been reported in the literature in individuals affected with Cystic Fibrosis (example, Audrezet_1993, Terzic_2019). These data indicate that the variant is likely to be associated with disease. To our knowledge, no experimental evidence demonstrating an impact on protein function has been reported. Two clinical diagnostic laboratories and one expert panel (CFTR2) have submitted clinical-significance assessments for this variant to ClinVar after 2014 without evidence for independent evaluation. All submitters classified the variant as pathogenic. Based on the evidence outlined above, the variant was classified as pathogenic.

North West Genomic Laboratory Hub, Manchester University NHS Foundation Trust
Classification: Pathogenic for Cystic fibrosis; Hereditary pancreatitis. Last evaluated: 2020-04-20. Review status: criteria provided, single submitter. Criteria: ACMG Guidelines, 2015. Collection method: clinical testing. Allele origin: germline. Affected: yes. Not counted in ClinVar's aggregate classification.
Comment: Criteria Codes: PM2 PVS1 PM3_Str

CFTR-France
Classification: Pathogenic for cystic fibrosis. Last evaluated: 2018-01-29. Review status: criteria provided, single submitter. Criteria: Claustres M et al. (Hum Mutat 2017). Collection method: curation. Allele origin: germline. Affected: yes. Not counted in ClinVar's aggregate classification.

OMIM
Classification: Pathogenic for CYSTIC FIBROSIS. Last evaluated: 2018-04-09. Review status: no assertion criteria provided. Collection method: literature only. Allele origin: germline. Not counted in ClinVar's aggregate classification.

Natera, Inc.
Classification: Pathogenic for CFTR-related disorders. Last evaluated: 2017-03-17. Review status: no assertion criteria provided. Collection method: clinical testing. Allele origin: germline. Not counted in ClinVar's aggregate classification.

Literature cited by the submitters: PubMed 31523618 (cited by Ambry Genetics and Women's Health and Genetics/Laboratory Corporation of America, LabCorp); PubMed 7683952 (cited by Ambry Genetics and Women's Health and Genetics/Laboratory Corporation of America, LabCorp); PubMed 15024729 (cited by Women's Health and Genetics/Laboratory Corporation of America, LabCorp and OMIM); PubMed 28603918 (cited by Women's Health and Genetics/Laboratory Corporation of America, LabCorp); PubMed 25525159 (cited by North West Genomic Laboratory Hub, Manchester University NHS Foundation Trust).

NM_000492.4(CFTR):c.3718-1G>A

Genes: CFTR (CF transmembrane conductance regulator; plus strand), CFTR-AS2 (CFTR antisense RNA 2; minus strand). Cytogenetic location: 7q31.2.
Variant type: single nucleotide variant.
Coding change: c.3718-1G>A on transcript NM_000492.4 (MANE Select); the canonical splice acceptor site of the intron before coding-DNA position 3718, G replaced by A.
Molecular consequence: splice acceptor variant.
Genome position (GRCh38, 1-based): chr7:117,642,437, G>A. VCF-style: chr7-117642437-G-A. GRCh37 (hg19) VCF-style: chr7-117282491-G-A.
Other names: 3850-1 G -> A; 3850-1G->A; IVS19, G-A, -1.
Identifiers: ClinVar variation 7177 (VCV000007177.8), dbSNP rs387906369, ClinGen allele CA325568.